The following is an entry in ClinVar:

NC_000011.9:g.(?_128564154)_(128786626_?)del

Genes: FLI1 (Fli-1 proto-oncogene, ETS transcription factor; plus strand), KCNJ1 (potassium inwardly rectifying channel subfamily J member 1; minus strand), KCNJ5 (potassium inwardly rectifying channel subfamily J member 5; plus strand), KCNJ5-AS1 (KCNJ5 antisense RNA 1; minus strand). Cytogenetic location: 11q24.3.
Variant type: Deletion.
Identifiers: ClinVar variation 2424345 (VCV002424345.3).

ClinVar aggregate classification (germline): Uncertain significance (1 of 4 stars; one submission).

Submission:

Labcorp Genetics (formerly Invitae), Labcorp
Classification: Uncertain significance. Last evaluated: 2022-08-08. Review status: criteria provided, single submitter. Criteria: Invitae Variant Classification Sherloc (09022015). Collection method: clinical testing. Allele origin: germline.
Comment: A gross deletion of the genomic region encompassing the full coding sequence of the FLI1 gene has been identified. The current clinical and genetic evidence is not sufficient to establish whether loss-of-function variants in FLI1 cause disease. The boundaries of this event are unknown as they extend beyond the assayed region for this gene and therefore may encompass additional genes. A similar copy number variant has been observed in individual(s) with a bleeding disorder (PMID: 33240318). Experimental studies and prediction algorithms are not available or were not evaluated, and the functional significance of this variant is currently unknown. In summary, the available evidence is currently insufficient to determine the role of this variant in disease. Therefore, it has been classified as a Variant of Uncertain Significance.

Literature cited by the submitters: PubMed 33240318.